The following is an entry in ClinVar:

ClinVar aggregate classification (germline): Benign/Likely benign. Review status: criteria provided, multiple submitters, no conflicts (2 of 4 stars). 6 submissions from 4 submitters: Benign (4); Likely benign (2). Last evaluated 2026-03-19.

Conditions:
Cryopyrin associated periodic syndrome (CAPS). Identifiers: Orphanet 208650, MedGen C2316212, MONDO:0016168.
Chronic infantile neurological, cutaneous and articular syndrome (CINCA). Also called: CINCA syndrome; CHRONIC NEUROLOGIC CUTANEOUS AND ARTICULAR SYNDROME; CRYOPYRIN-ASSOCIATED PERIODIC SYNDROME 3; Prieur Griscelli syndrome. Identifiers: Orphanet 1451, MedGen C0409818, MONDO:0011776, OMIM 607115.
NLRP3-related disorder. Also called: NLRP3-related condition; NLRP3-Related Disorders.
Familial amyloid nephropathy with urticaria AND deafness (MWS). Also called: UDA SYNDROME; URTICARIA-DEAFNESS-AMYLOIDOSIS SYNDROME; CRYOPYRIN-ASSOCIATED PERIODIC SYNDROME 2; MUCKLE-WELLS SYNDROME; Urticaria, deafness and amyloidosis. Identifiers: Orphanet 575, MedGen C0268390, MONDO:0008633, OMIM 191900.
Familial cold autoinflammatory syndrome 1 (FCAS1). Also called: CRYOPYRIN-ASSOCIATED PERIODIC SYNDROME 1; Familial cold inflammatory syndrome 1. Identifiers: Orphanet 47045, MedGen C4551895, MONDO:0007349, OMIM 120100.

Allele frequency attached by ClinVar (database versions not stated): ExAC 0.00004; TOPMed 0.00005; gnomAD exomes 0.00006; ESP Exome Variant Server 0.00015; 1000 Genomes Project 30x 0.00016; 1000 Genomes Project 0.00020.
gnomAD v4.1: 42 of 1,613,090 alleles (0.0026%); highest among the groups gnomAD compares: Admixed American, 0.018%; no homozygotes.

Submissions (6):

PreventionGenetics, part of Exact Sciences
Classification: Likely benign for NLRP3-related condition. Last evaluated: 2026-03-19. Review status: criteria provided, single submitter. Criteria: ACMG Guidelines, 2015. Collection method: clinical testing. Allele origin: germline.
Comment: This variant is classified as likely benign based on ACMG/AMP sequence variant interpretation guidelines (Richards et al. 2015 PMID: 25741868, with internal and published modifications).

Labcorp Genetics (formerly Invitae), Labcorp
Classification: Likely benign for Cryopyrin associated periodic syndrome. Last evaluated: 2025-10-18. Review status: criteria provided, single submitter. Criteria: Invitae Variant Classification Sherloc (09022015). Collection method: clinical testing. Allele origin: germline.

Women's Health and Genetics/Laboratory Corporation of America, LabCorp
Classification: Benign. Last evaluated: 2025-04-28. Review status: criteria provided, single submitter. Criteria: LabCorp Variant Classification Summary - May 2015. Collection method: clinical testing. Allele origin: germline.

Illumina Laboratory Services, Illumina
Classification: Benign for Chronic infantile neurological, cutaneous and articular syndrome. Last evaluated: 2018-01-13. Review status: criteria provided, single submitter. Criteria: ICSL Variant Classification Criteria 13 December 2019. Collection method: clinical testing. Allele origin: germline.
Comment: This variant was observed in the ICSL laboratory as part of a predisposition screen in an ostensibly healthy population. It had not been previously curated by ICSL or reported in the Human Gene Mutation Database (HGMD: prior to June 1st, 2018), and was therefore a candidate for classification through an automated scoring system. Utilizing variant allele frequency, disease prevalence and penetrance estimates, and inheritance mode, an automated score was calculated to assess if this variant is too frequent to cause the disease. Based on the score and internal cut-off values, a variant classified as benign is not then subjected to further curation. The score for this variant resulted in a classification of benign for this disease.

Illumina Laboratory Services, Illumina
Classification: Benign for Familial cold autoinflammatory syndrome 1. Last evaluated: 2018-01-13. Review status: criteria provided, single submitter. Criteria: ICSL Variant Classification Criteria 13 December 2019. Collection method: clinical testing. Allele origin: germline.
Comment: the same text as in the submission from Illumina Laboratory Services, Illumina above.

Illumina Laboratory Services, Illumina
Classification: Benign for Familial amyloid nephropathy with urticaria AND deafness. Last evaluated: 2018-01-13. Review status: criteria provided, single submitter. Criteria: ICSL Variant Classification Criteria 13 December 2019. Collection method: clinical testing. Allele origin: germline.
Comment: the same text as in the submission from Illumina Laboratory Services, Illumina above.

NM_001243133.2(NLRP3):c.398-5C>T

Gene: NLRP3 (NLR family pyrin domain containing 3; plus strand). Cytogenetic location: 1q44.
Variant type: single nucleotide variant.
Coding change: c.398-5C>T on transcript NM_001243133.2 (MANE Select); 5 bases into the intron before coding-DNA position 398, C replaced by T.
Molecular consequence: intron variant.
Genome position (GRCh38, 1-based): chr1:247,423,842, C>T. VCF-style: chr1-247423842-C-T. GRCh37 (hg19) VCF-style: chr1-247587144-C-T.
Other names: c.404-5C>T (NM_004895.5); c.398-5C>T (NM_001127461.3, NM_001127462.3, NM_183395.3 and 1 more transcripts).
Identifiers: ClinVar variation 296943 (VCV000296943.16), dbSNP rs200459664, ClinGen allele CA1494864.